The following is an entry in ClinVar:

ClinVar aggregate classification (germline): Uncertain significance (1 of 4 stars; one submission).

Conditions:
SIM1-related disorder. Also called: SIM1-related disorders; SIM1-related condition.

Submission:

PreventionGenetics, part of Exact Sciences
Classification: Uncertain significance for SIM1-related condition. Last evaluated: 2025-03-03. Review status: criteria provided, single submitter. Criteria: ACMG Guidelines, 2015. Collection method: clinical testing. Allele origin: germline.
Comment: The SIM1 c.607_608delinsTT variant is predicted to result in an in-frame deletion and insertion. To our knowledge, this variant has not been reported in the literature or in a large population database, indicating this variant is rare. At this time, the clinical significance of this variant is uncertain due to the absence of conclusive functional and genetic evidence.

NM_005068.3(SIM1):c.607_608delinsTT (p.Gly203Phe)

Gene: SIM1 (SIM bHLH transcription factor 1; minus strand). Cytogenetic location: 6q16.3.
Variant type: Indel.
Coding change: c.607_608delinsTT on transcript NM_005068.3 (MANE Select); coding-DNA positions 607 to 608, GG replaced by TT.
Protein change: p.Gly203Phe; replaces glycine 203 with phenylalanine.
Molecular consequence: missense variant.
Genome position (GRCh38, 1-based): chr6:100,448,614-100,448,615, CC replaced by AA on the plus strand (GG replaced by TT on the coding strand, the reverse complement: SIM1 is on the minus strand). VCF-style: chr6-100448614-CC-AA. GRCh37 (hg19) VCF-style: chr6-100896490-CC-AA.
Other names: c.607_608delinsTT, p.Gly203Phe (NM_001374769.1); short protein forms G203F.
Identifiers: ClinVar variation 4990591 (VCV004990591.1).